The following is an entry in ClinVar:

ClinVar aggregate classification (germline): Uncertain significance (1 of 4 stars; one submission).

Conditions:
Hereditary motor and sensory neuropathy, Okinawa type (HMSNO). Also called: HEREDITARY MOTOR AND SENSORY NEUROPATHY, PROXIMAL TYPE. Identifiers: Orphanet 90117, MedGen C1858338, MONDO:0011468, OMIM 604484.
Hereditary spastic paraplegia 57. Also called: Spastic paraplegia 57, autosomal recessive. Identifiers: Orphanet 431329, MedGen C3714897, MONDO:0014295, OMIM 615658.

Allele frequency attached by ClinVar (database versions not stated): gnomAD exomes 0.00001.

Submission:

Labcorp Genetics (formerly Invitae), Labcorp
Classification: Uncertain significance for Hereditary motor and sensory neuropathy, Okinawa type; Hereditary spastic paraplegia 57. Last evaluated: 2018-08-05. Review status: criteria provided, single submitter. Criteria: Invitae Variant Classification Sherloc (09022015). Collection method: clinical testing. Allele origin: germline.
Comment: This sequence change results in a premature translational stop signal in the TFG gene (p.Gln346*). While this is not anticipated to result in nonsense mediated decay, it is expected to disrupt the last 55 amino acids of the TFG protein. In summary, the available evidence is currently insufficient to determine the role of this variant in disease. Therefore, it has been classified as a Variant of Uncertain Significance. This variant has not been reported in the literature in individuals with TFG-related disease. This variant is not present in population databases (ExAC no frequency).

NM_006070.6(TFG):c.1036C>T (p.Gln346Ter)

Gene: TFG (trafficking from ER to golgi regulator; plus strand). Cytogenetic location: 3q12.2.
Variant type: single nucleotide variant.
Coding change: c.1036C>T on transcript NM_006070.6 (MANE Select); coding-DNA position 1036, C replaced by T.
Protein change: p.Gln346Ter; replaces glutamine 346 with a stop codon.
Molecular consequence: nonsense.
Genome position (GRCh38, 1-based): chr3:100,748,364, C>T. VCF-style: chr3-100748364-C-T. GRCh37 (hg19) VCF-style: chr3-100467208-C-T.
Other names: c.1036C>T, p.Gln346Ter (NM_001007565.2, NM_001195478.2); c.1024C>T, p.Gln342Ter (NM_001195479.2); short protein forms Q342*, Q346*.
Identifiers: ClinVar variation 640949 (VCV000640949.6), dbSNP rs1576389617, ClinGen allele CA353854277.